The following is an entry in ClinVar:

NM_000045.4(ARG1):c.51G>C (p.Lys17Asn)

Gene: ARG1 (arginase 1; plus strand). Cytogenetic location: 6q23.2.
Variant type: single nucleotide variant.
Coding change: c.51G>C on transcript NM_000045.4 (MANE Select); coding-DNA position 51, G replaced by C.
Protein change: p.Lys17Asn; replaces lysine 17 with asparagine.
Molecular consequence: missense variant. On other transcripts: non-coding transcript variant (1).
Genome position (GRCh38, 1-based): chr6:131,573,333, G>C. VCF-style: chr6-131573333-G-C. GRCh37 (hg19) VCF-style: chr6-131894473-G-C.
Other names: c.51G>C, p.Lys17Asn (NM_001244438.2, NM_001369020.1); short protein forms K17N.
Identifiers: ClinVar variation 2174625 (VCV002174625.1), dbSNP rs753260969, ClinGen allele CA3999120.
Genomic context (GRCh38, chr6:131,573,333, plus strand): 5'-GTGTCAGAGCATGAGCGCCAAGTCCAGAACCATAGGGATTATTGGAGCTCCTTTCTCAAA[G>C]GGACAGGTAAGGAAAAAAGTCTTTCTTTGAATTCCTGGAATTTAGTTGAAAATTTTGGAC-3'
Protein context (NP_000036.2, residues 7-27): TIGIIGAPFS[Lys17Asn]GQPRGGVEEG

ClinVar aggregate classification (germline): Uncertain significance (1 of 4 stars; one submission).

Conditions:
Arginase deficiency. Also called: Arginase 1 Deficiency; ARGININEMIA; ARG1 DEFICIENCY. Identifiers: Orphanet 90, MedGen C0268548, MONDO:0008814, OMIM 207800.

Allele frequency attached by ClinVar (database versions not stated): gnomAD exomes below 0.00001; ExAC 0.00001.
gnomAD v4.1: 1 of 1,613,972 alleles (0.000062%); highest among the groups gnomAD compares: Admixed American, 0.0017%; no homozygotes.

Submission:

Labcorp Genetics (formerly Invitae), Labcorp
Classification: Uncertain significance for Arginase deficiency. Last evaluated: 2022-05-15. Review status: criteria provided, single submitter. Criteria: Invitae Variant Classification Sherloc (09022015). Collection method: clinical testing. Allele origin: germline.
Comment: This sequence change replaces lysine, which is basic and polar, with asparagine, which is neutral and polar, at codon 17 of the ARG1 protein (p.Lys17Asn). This variant is present in population databases (rs753260969, gnomAD 0.003%). This variant has not been reported in the literature in individuals affected with ARG1-related conditions. Algorithms developed to predict the effect of missense changes on protein structure and function are either unavailable or do not agree on the potential impact of this missense change (SIFT: "Tolerated"; PolyPhen-2: "Possibly Damaging"; Align-GVGD: "Class C0"). In summary, the available evidence is currently insufficient to determine the role of this variant in disease. Therefore, it has been classified as a Variant of Uncertain Significance.